The following is an entry in ClinVar:

ClinVar aggregate classification (germline): Uncertain significance. Review status: criteria provided, multiple submitters, no conflicts (2 of 4 stars). 2 submissions from 2 submitters: Uncertain significance (2). Last evaluated 2025-01-27.

Conditions:
Inborn genetic diseases. Identifiers: MedGen C0950123, MeSH D030342.
Jeune thoracic dystrophy. Also called: Jeune syndrome; Infantile thoracic dystrophy; Thoracic pelvic phalangeal dystrophy; Jeune's syndrome; Chondroectodermal dysplasia-like syndrome; Short-rib thoracic dysplasia. Identifiers: Orphanet 474, MedGen C0265275, MONDO:0018770.

Allele frequency attached by ClinVar (database versions not stated): ExAC 0.00004; gnomAD 0.00007 and 0.00008; TOPMed 0.00008; 1000 Genomes Project 30x 0.00016; 1000 Genomes Project 0.00020.
gnomAD v4.1: 88 of 1,607,156 alleles (0.0055%); highest among the groups gnomAD compares: Admixed American, 0.025%; no homozygotes.

Submissions (2):

Ambry Genetics
Classification: Uncertain significance for Inborn genetic diseases. Last evaluated: 2025-01-27. Review status: criteria provided, single submitter. Criteria: Ambry Variant Classification Scheme 2023. Collection method: clinical testing. Allele origin: germline.

Labcorp Genetics (formerly Invitae), Labcorp
Classification: Uncertain significance for Jeune thoracic dystrophy. Last evaluated: 2024-06-25. Review status: criteria provided, single submitter. Criteria: Invitae Variant Classification Sherloc (09022015). Collection method: clinical testing. Allele origin: germline.
Comment: This sequence change replaces aspartic acid, which is acidic and polar, with valine, which is neutral and non-polar, at codon 241 of the DYNC2H1 protein (p.Asp241Val). This variant is present in population databases (rs183159969, gnomAD 0.02%). This variant has not been reported in the literature in individuals affected with DYNC2H1-related conditions. ClinVar contains an entry for this variant (Variation ID: 1060448). Advanced modeling of protein sequence and biophysical properties (such as structural, functional, and spatial information, amino acid conservation, physicochemical variation, residue mobility, and thermodynamic stability) has been performed at Invitae for this missense variant, however the output from this modeling did not meet the statistical confidence thresholds required to predict the impact of this variant on DYNC2H1 protein function. In summary, the available evidence is currently insufficient to determine the role of this variant in disease. Therefore, it has been classified as a Variant of Uncertain Significance.

NM_001377.3(DYNC2H1):c.722A>T (p.Asp241Val)

Gene: DYNC2H1 (dynein cytoplasmic 2 heavy chain 1; plus strand). Cytogenetic location: 11q22.3.
Variant type: single nucleotide variant.
Coding change: c.722A>T on transcript NM_001377.3 (MANE Select); coding-DNA position 722, A replaced by T.
Protein change: p.Asp241Val; replaces aspartic acid 241 with valine.
Molecular consequence: missense variant.
Genome position (GRCh38, 1-based): chr11:103,116,670, A>T. VCF-style: chr11-103116670-A-T. GRCh37 (hg19) VCF-style: chr11-102987399-A-T.
Other names: c.722A>T, p.Asp241Val (NM_001080463.2); c.722A>T (NM_001080463.1); short protein forms D241V.
Identifiers: ClinVar variation 1060448 (VCV001060448.7), dbSNP rs183159969, ClinGen allele CA6252573.